The following is an entry in ClinVar:

NM_015557.3(CHD5):c.5729C>T (p.Pro1910Leu)

Gene: CHD5 (chromodomain helicase DNA binding protein 5; minus strand). Cytogenetic location: 1p36.31.
Variant type: single nucleotide variant.
Coding change: c.5729C>T on transcript NM_015557.3 (MANE Select); coding-DNA position 5729, C replaced by T.
Protein change: p.Pro1910Leu; replaces proline 1910 with leucine.
Molecular consequence: missense variant.
Genome position (GRCh38, 1-based): chr1:6,106,629, G>A on the plus strand (C>T on the coding strand, the complement: CHD5 is on the minus strand). VCF-style: chr1-6106629-G-A. GRCh37 (hg19) VCF-style: chr1-6166689-G-A.
Other names: short protein forms P1910L.
Identifiers: ClinVar variation 3144161 (VCV003144161.3), dbSNP rs1666173116, ClinGen allele CA338063391.

ClinVar aggregate classification (germline): Uncertain significance. Review status: criteria provided, multiple submitters, no conflicts (2 of 4 stars). 3 submissions from 3 submitters: Uncertain significance (3). Last evaluated 2024-10-23.

Conditions:
Inborn genetic diseases. Identifiers: MedGen C0950123, MeSH D030342.

Allele frequency attached by ClinVar (database versions not stated): TOPMed 0.00002.

Submissions (3):

Women's Health and Genetics/Laboratory Corporation of America, LabCorp
Classification: Uncertain significance. Last evaluated: 2024-10-23. Review status: criteria provided, single submitter. Criteria: LabCorp Variant Classification Summary - May 2015. Collection method: clinical testing. Allele origin: germline.
Comment: Variant summary: CHD5 c.5729C>T (p.Pro1910Leu) results in a non-conservative amino acid change in the encoded protein sequence. Four of five in-silico tools predict a damaging effect of the variant on protein function. The variant was absent in 194144 control chromosomes (gnomAD). The available data on variant occurrences in the general population are insufficient to allow any conclusion about variant significance. To our knowledge, no occurrence of c.5729C>T in individuals affected with Parenti-Mignot Neurodevelopmental Syndrome and no experimental evidence demonstrating its impact on protein function have been reported. ClinVar contains an entry for this variant (Variation ID: 3144161). Based on the evidence outlined above, the variant was classified as uncertain significance.

Blueprint Genetics
Classification: Uncertain significance. Last evaluated: 2024-02-23. Review status: criteria provided, single submitter. Criteria: ACMG Guidelines, 2015. Collection method: clinical testing. Allele origin: germline.

Ambry Genetics
Classification: Uncertain significance for Inborn genetic diseases. Last evaluated: 2024-02-21. Review status: criteria provided, single submitter. Criteria: Ambry Variant Classification Scheme 2023. Collection method: clinical testing. Allele origin: germline.